The following is an entry in ClinVar:

NM_006231.4(POLE):c.6790C>A (p.His2264Asn)

Gene: POLE (DNA polymerase epsilon, catalytic subunit; minus strand). Cytogenetic location: 12q24.33.
Variant type: single nucleotide variant.
Coding change: c.6790C>A on transcript NM_006231.4 (MANE Select); coding-DNA position 6790, C replaced by A.
Protein change: p.His2264Asn; replaces histidine 2264 with asparagine.
Molecular consequence: missense variant.
Genome position (GRCh38, 1-based): chr12:132,624,768, G>T on the plus strand (C>A on the coding strand, the complement: POLE is on the minus strand). VCF-style: chr12-132624768-G-T. GRCh37 (hg19) VCF-style: chr12-133201354-G-T.
Other names: short protein forms H2264N.
Identifiers: ClinVar variation 473814 (VCV000473814.8), dbSNP rs1555300733, ClinGen allele CA387365787.

ClinVar aggregate classification (germline): Uncertain significance (1 of 4 stars; one submission).

Submission:

Labcorp Genetics (formerly Invitae), Labcorp
Classification: Uncertain significance. Last evaluated: 2017-03-01. Review status: criteria provided, single submitter. Criteria: Invitae Variant Classification Sherloc (09022015). Collection method: clinical testing. Allele origin: germline.
Comment: In summary, this variant is a novel missense change that is not predicted to affect protein function. There is no indication that it causes disease, but the available evidence is currently insufficient to prove that conclusively. Therefore, it has been classified as a Variant of Uncertain Significance. Algorithms developed to predict the effect of missense changes on protein structure and function (SIFT, PolyPhen-2, Align-GVGD) all suggest that this variant is likely to be tolerated, but these predictions have not been confirmed by published functional studies. This variant is not present in population databases (ExAC no frequency) and has not been reported in the literature in individuals with a POLE-related disease. This sequence change replaces histidine with asparagine at codon 2264 of the POLE protein (p.His2264Asn). The histidine residue is weakly conserved and there is a small physicochemical difference between histidine and asparagine.